The following is an entry in ClinVar:

NM_018051.5(DYNC2I1):c.2347C>T (p.Leu783Phe)

Gene: DYNC2I1 (dynein 2 intermediate chain 1; plus strand). Cytogenetic location: 7q36.3.
Variant type: single nucleotide variant.
Coding change: c.2347C>T on transcript NM_018051.5 (MANE Select); coding-DNA position 2347, C replaced by T.
Protein change: p.Leu783Phe; replaces leucine 783 with phenylalanine.
Molecular consequence: missense variant.
Genome position (GRCh38, 1-based): chr7:158,926,276, C>T. VCF-style: chr7-158926276-C-T. GRCh37 (hg19) VCF-style: chr7-158718967-C-T.
Other names: c.2209C>T, p.Leu737Phe (NM_001350914.2); c.1774C>T, p.Leu592Phe (NM_001350915.2); c.886C>T, p.Leu296Phe (NM_001350916.2); c.1099C>T, p.Leu367Phe (NM_001350917.2, NM_001350918.2); c.2347C>T (NM_018051.4); short protein forms L783F, L296F, L737F, L367F, L592F.
Identifiers: ClinVar variation 2167006 (VCV002167006.5), dbSNP rs766188204, ClinGen allele CA4594948.

ClinVar aggregate classification (germline): Uncertain significance. Review status: criteria provided, multiple submitters, no conflicts (2 of 4 stars). 2 submissions from 2 submitters: Uncertain significance (2). Last evaluated 2025-02-14.

Conditions:
Short-rib thoracic dysplasia 8 with or without polydactyly (SRTD8). Also called: SHORT-RIB THORACIC DYSPLASIA 8 WITH POLYDACTYLY. Identifiers: Orphanet 93271, MedGen C3809691, MONDO:0014214, OMIM 615503.
Inborn genetic diseases. Identifiers: MedGen C0950123, MeSH D030342.

Allele frequency attached by ClinVar (database versions not stated): ExAC 0.00001; gnomAD 0.00001; gnomAD exomes 0.00002.
gnomAD v4.1: 24 of 1,612,570 alleles (0.0015%); highest among the groups gnomAD compares: Non-Finnish European, 0.002%; no homozygotes.

Submissions (2):

Ambry Genetics
Classification: Uncertain significance for Inborn genetic diseases. Last evaluated: 2025-02-14. Review status: criteria provided, single submitter. Criteria: Ambry Variant Classification Scheme 2023. Collection method: clinical testing. Allele origin: germline.

Labcorp Genetics (formerly Invitae), Labcorp
Classification: Uncertain significance for Short-rib thoracic dysplasia 8 with or without polydactyly. Last evaluated: 2022-08-06. Review status: criteria provided, single submitter. Criteria: Invitae Variant Classification Sherloc (09022015). Collection method: clinical testing. Allele origin: germline.
Comment: In summary, the available evidence is currently insufficient to determine the role of this variant in disease. Therefore, it has been classified as a Variant of Uncertain Significance. Algorithms developed to predict the effect of missense changes on protein structure and function are either unavailable or do not agree on the potential impact of this missense change (SIFT: "Deleterious"; PolyPhen-2: "Possibly Damaging"; Align-GVGD: "Class C0"). This variant has not been reported in the literature in individuals affected with WDR60-related conditions. This variant is present in population databases (rs766188204, gnomAD 0.003%). This sequence change replaces leucine, which is neutral and non-polar, with phenylalanine, which is neutral and non-polar, at codon 783 of the WDR60 protein (p.Leu783Phe).